The following is an entry in ClinVar:

NM_022114.4(PRDM16):c.686C>T (p.Thr229Met)

Gene: PRDM16 (PR/SET domain 16; plus strand). Cytogenetic location: 1p36.32.
Variant type: single nucleotide variant.
Coding change: c.686C>T on transcript NM_022114.4 (MANE Select); coding-DNA position 686, C replaced by T.
Protein change: p.Thr229Met; replaces threonine 229 with methionine.
Molecular consequence: missense variant.
Genome position (GRCh38, 1-based): chr1:3,402,800, C>T. VCF-style: chr1-3402800-C-T. GRCh37 (hg19) VCF-style: chr1-3319364-C-T.
Other names: c.686C>T, p.Thr229Met (NM_199454.3); short protein forms T229M.
Identifiers: ClinVar variation 2501646 (VCV002501646.3), dbSNP rs768642626, ClinGen allele CA543929.
Genomic context (GRCh38, chr1:3,402,800, plus strand): 5'-CTGGGCTGGGTCTCCAGCTCACTCACCACCACCTCGTTCTCTCTCTTGCAGAGGAGCCCA[C>T]GTTCCGCTGTGACGAGTGTGACGAACTCTTCCAGTCCAAGCTGGACCTGCGGCGCCATAA-3'
Protein context (NP_071397.3, residues 219-239): TVPPGLDEEP[Thr229Met]FRCDECDELF

ClinVar aggregate classification (germline): Uncertain significance (1 of 4 stars; one submission).

Allele frequency attached by ClinVar (database versions not stated): TOPMed 0.00002; ExAC 0.00003; gnomAD 0.00003.
gnomAD v4.1: 18 of 1,610,842 alleles (0.0011%); highest among the groups gnomAD compares: Admixed American, 0.01%; no homozygotes.

Submission:

GeneDx
Classification: Uncertain significance. Last evaluated: 2023-09-12. Review status: criteria provided, single submitter. Criteria: GeneDx Variant Classification Process June 2021. Collection method: clinical testing. Allele origin: germline. Affected: yes.
Comment: Reported in a patient with HCM who also harbored a pathogenic variant in a different HCM-related gene (Hu et al., 2020); In silico analysis supports that this missense variant does not alter protein structure/function; This variant is associated with the following publications: (PMID: 32681253)